The following is an entry in ClinVar:

ClinVar aggregate classification (germline): Uncertain significance. Review status: criteria provided, multiple submitters, no conflicts (2 of 4 stars). 6 submissions from 6 submitters: Uncertain significance (5). 1 of the submissions does not count toward it. Last evaluated 2025-12-16.

Conditions:
Hereditary cancer-predisposing syndrome. Also called: Hereditary Cancer Syndrome; Hereditary neoplastic syndrome; Neoplastic Syndromes, Hereditary; Tumor predisposition. Identifiers: Orphanet 140162, MedGen C0027672, MeSH D009386, MONDO:0015356.
Ataxia-telangiectasia syndrome (AT). Also called: Ataxia-telangiectasia, complementation group E; LOUIS-BAR SYNDROME; Cerebello-oculocutaneous telangiectasia; Immunodeficiency with ataxia telangiectasia; Ataxia-telangiectasia, complementation group D; AT, COMPLEMENTATION GROUP C. Identifiers: Orphanet 100, MedGen C0004135, MONDO:0008840, OMIM 208900.

Allele frequency attached by ClinVar (database versions not stated): gnomAD 0.00001; TOPMed 0.00001.

Submissions (6):

Labcorp Genetics (formerly Invitae), Labcorp
Classification: Uncertain significance for Ataxia-telangiectasia syndrome. Last evaluated: 2025-12-16. Review status: criteria provided, single submitter. Criteria: Invitae Variant Classification Sherloc (09022015). Collection method: clinical testing. Allele origin: germline.
Comment: This sequence change replaces asparagine, which is neutral and polar, with lysine, which is basic and polar, at codon 1477 of the ATM protein (p.Asn1477Lys). This variant is not present in population databases (gnomAD no frequency). This variant has not been reported in the literature in individuals affected with ATM-related conditions. ClinVar contains an entry for this variant (Variation ID: 302250). Invitae Evidence Modeling of protein sequence and biophysical properties (such as structural, functional, and spatial information, amino acid conservation, physicochemical variation, residue mobility, and thermodynamic stability) indicates that this missense variant is not expected to disrupt ATM protein function with a negative predictive value of 95%. In summary, the available evidence is currently insufficient to determine the role of this variant in disease. Therefore, it has been classified as a Variant of Uncertain Significance.

Quest Diagnostics Nichols Institute San Juan Capistrano
Classification: Uncertain significance. Last evaluated: 2025-03-12. Review status: criteria provided, single submitter. Criteria: Quest Diagnostics criteria. Collection method: clinical testing. Allele origin: unknown.

Ambry Genetics
Classification: Uncertain significance for Hereditary cancer-predisposing syndrome. Last evaluated: 2023-10-25. Review status: criteria provided, single submitter. Criteria: Ambry Variant Classification Scheme 2023. Collection method: clinical testing. Allele origin: germline.
Comment: The p.N1477K variant (also known as c.4431C>A), located in coding exon 28 of the ATM gene, results from a C to A substitution at nucleotide position 4431. The asparagine at codon 1477 is replaced by lysine, an amino acid with similar properties. This amino acid position is highly conserved in available vertebrate species. In addition, this alteration is predicted to be tolerated by in silico analysis. Since supporting evidence is limited at this time, the clinical significance of this alteration remains unclear.

Sema4
Classification: Uncertain significance for Hereditary cancer-predisposing syndrome. Last evaluated: 2021-11-10. Review status: criteria provided, single submitter. Criteria: Sema4 Curation Guidelines. Collection method: curation. Allele origin: germline.
Comment: The ATM c.4431C>A (p.N1477K) variant has not been reported in the literature to our knowledge. It was not observed in the large and broad cohorts of the Genome Aggregation Database. The variant has been reported in ClinVar (Variation ID: 302250). Functional studies have not been performed, and in silico predictions of the variant's effect on protein function are inconclusive. The evidence is insufficient to meet ACMG/AMP criteria for classifying the variant as benign or pathogenic. Thus, the clinical significance of this variant is currently uncertain.

Illumina Laboratory Services, Illumina
Classification: Uncertain significance for Ataxia-telangiectasia syndrome. Last evaluated: 2018-01-12. Review status: criteria provided, single submitter. Criteria: ICSL Variant Classification Criteria 13 December 2019. Collection method: clinical testing. Allele origin: germline.

Natera, Inc.
Classification: Uncertain significance for Ataxia-telangiectasia. Last evaluated: 2020-03-24. Review status: no assertion criteria provided. Collection method: clinical testing. Allele origin: germline. Not counted in ClinVar's aggregate classification.

NM_000051.4(ATM):c.4431C>A (p.Asn1477Lys)

Gene: ATM (ATM serine/threonine kinase; plus strand). Cytogenetic location: 11q22.3.
Variant type: single nucleotide variant.
Coding change: c.4431C>A on transcript NM_000051.4 (MANE Select); coding-DNA position 4431, C replaced by A.
Protein change: p.Asn1477Lys; replaces asparagine 1477 with lysine.
Molecular consequence: missense variant.
Genome position (GRCh38, 1-based): chr11:108,289,796, C>A. VCF-style: chr11-108289796-C-A. GRCh37 (hg19) VCF-style: chr11-108160523-C-A.
Other names: c.4431C>A, p.Asn1477Lys (NM_001351834.2); short protein forms N1477K.
Identifiers: ClinVar variation 302250 (VCV000302250.21), dbSNP rs571989748, ClinGen allele CA10633312.